The following is an entry in ClinVar:

NM_001142800.2(EYS):c.-51C>T

Gene: EYS (eyes shut homolog; minus strand). Cytogenetic location: 6q12.
Variant type: single nucleotide variant.
Coding change: c.-51C>T on transcript NM_001142800.2 (MANE Select); 51 bases upstream of the start codon, C replaced by T.
Molecular consequence: 5 prime UTR variant.
Genome position (GRCh38, 1-based): chr6:65,495,461, G>A on the plus strand (C>T on the coding strand, the complement: EYS is on the minus strand). VCF-style: chr6-65495461-G-A. GRCh37 (hg19) VCF-style: chr6-66205354-G-A.
Other names: c.-51C>T (NM_001142801.2, NM_001292009.2, NM_198283.2).
Identifiers: ClinVar variation 1483981 (VCV001483981.3), dbSNP rs1239863395, ClinGen allele CA568119287.
Genomic context (GRCh38, chr6:65,495,461, plus strand): 5'-TGTCAGTCATTTTCGGGTAGCTGTATTTTACAGTTTATCATAAAGAATTGCTGCAAAATG[G>A]TGTTTTAAGTATTACCGGAAATTTCCAAGTAAAGTTGTGGTTAAGGATTCCTGGGAATTG-3'

ClinVar aggregate classification (germline): Uncertain significance (1 of 4 stars; one submission).

Allele frequency attached by ClinVar (database versions not stated): gnomAD exomes below 0.00001 and 0.00001; gnomAD 0.00001; TOPMed 0.00002.

Submission:

Labcorp Genetics (formerly Invitae), Labcorp
Classification: Uncertain significance. Last evaluated: 2022-08-16. Review status: criteria provided, single submitter. Criteria: Invitae Variant Classification Sherloc (09022015). Collection method: clinical testing. Allele origin: germline.
Comment: This variant occurs in a non-coding region of the EYS gene. It does not change the encoded amino acid sequence of the EYS protein. The frequency data for this variant in the population databases is considered unreliable, as metrics indicate poor data quality at this position in the gnomAD database. This variant has not been reported in the literature in individuals affected with EYS-related conditions. ClinVar contains an entry for this variant (Variation ID: 1483981). Experimental studies and prediction algorithms are not available or were not evaluated, and the functional significance of this variant is currently unknown. In summary, the available evidence is currently insufficient to determine the role of this variant in disease. Therefore, it has been classified as a Variant of Uncertain Significance.